The following is an entry in ClinVar:

NM_001386795.1(DTNA):c.1784C>G (p.Thr595Ser)

Gene: DTNA (dystrobrevin alpha; plus strand). Cytogenetic location: 18q12.1.
Variant type: single nucleotide variant.
Coding change: c.1784C>G on transcript NM_001386795.1 (MANE Select); coding-DNA position 1784, C replaced by G.
Protein change: p.Thr595Ser; replaces threonine 595 with serine.
Molecular consequence: missense variant.
Genome position (GRCh38, 1-based): chr18:34,875,279, C>G. VCF-style: chr18-34875279-C-G. GRCh37 (hg19) VCF-style: chr18-32455243-C-G.
Other names: c.1523C>G, p.Thr508Ser (NM_001198938.2, NM_001198940.2, NM_001386753.1 and 5 more transcripts); c.1544C>G, p.Thr515Ser (NM_001198939.2); c.830C>G, p.Thr277Ser (NM_001198942.1); c.773C>G, p.Thr258Ser (NM_001198943.1); c.659C>G, p.Thr220Ser (NM_001198944.1); c.1613C>G, p.Thr538Ser (NM_001386754.1, NM_001386755.1, NM_001386756.1 and 3 more transcripts); c.1610C>G, p.Thr537Ser (NM_001386760.1); c.1532C>G, p.Thr511Ser (NM_001386761.1, NM_032975.4); and 5 more; short protein forms T220S, T258S, T507S, T511S, T515S, T216S, T510S, T537S.
Identifiers: ClinVar variation 3689897 (VCV003689897.2).
Genomic context (GRCh38, chr18:34,875,279, plus strand): 5'-GACCTGCATTGTCTCTCCAGACTCAGGGGGCAGGCTCTCCCCGCTCCTCCCCCAGCCACA[C>G]CATCAGCAGGCCAATTCCCATGCCCATCCGGTCAGCGTCAGCCTGCTCCACCCCGACGCA-3'
Protein context (NP_001373724.1, residues 585-605): AGSPRSSPSH[Thr595Ser]ISRPIPMPIR

ClinVar aggregate classification (germline): Uncertain significance (1 of 4 stars; one submission).

Conditions:
Left ventricular noncompaction 1 (LVNC1). Also called: LEFT VENTRICULAR NONCOMPACTION 1 WITH OR WITHOUT CONGENITAL HEART DEFECTS. Identifiers: Orphanet 54260, MedGen C1858725, MONDO:0011403, OMIM 604169.

Submission:

Labcorp Genetics (formerly Invitae), Labcorp
Classification: Uncertain significance for Left ventricular noncompaction 1. Last evaluated: 2025-01-07. Review status: criteria provided, single submitter. Criteria: Invitae Variant Classification Sherloc (09022015). Collection method: clinical testing. Allele origin: germline.
Comment: This sequence change replaces threonine, which is neutral and polar, with serine, which is neutral and polar, at codon 568 of the DTNA protein (p.Thr568Ser). This variant is not present in population databases (gnomAD no frequency). This variant has not been reported in the literature in individuals affected with DTNA-related conditions. An algorithm developed to predict the effect of missense changes on protein structure and function (PolyPhen-2) suggests that this variant is likely to be tolerated. In summary, the available evidence is currently insufficient to determine the role of this variant in disease. Therefore, it has been classified as a Variant of Uncertain Significance.